The following is an entry in ClinVar:

ClinVar aggregate classification (germline): Uncertain significance (1 of 4 stars; one submission).

Submission:

CeGaT Center for Human Genetics Tuebingen
Classification: Uncertain significance. Last evaluated: 2026-08-01. Review status: criteria provided, single submitter. Criteria: CeGaT Center For Human Genetics Tuebingen Variant Classification Criteria Version 2. Collection method: clinical testing. Allele origin: germline. Affected: yes. Observed: 1 variant allele.
Comment: SLITRK2: PM2

NM_032539.5(SLITRK2):c.2349G>T (p.Gln783His)

Gene: SLITRK2 (SLIT and NTRK like family member 2; plus strand). Cytogenetic location: Xq27.3.
Variant type: single nucleotide variant.
Coding change: c.2349G>T on transcript NM_032539.5 (MANE Select); coding-DNA position 2349, G replaced by T.
Protein change: p.Gln783His; replaces glutamine 783 with histidine.
Molecular consequence: missense variant.
Genome position (GRCh38, 1-based): chrX:145,824,774, G>T. VCF-style: chrX-145824774-G-T. GRCh37 (hg19) VCF-style: chrX-144906292-G-T.
Other names: c.2349G>T, p.Gln783His (NM_001144003.3, NM_001144004.3, NM_001144005.3 and 4 more transcripts); short protein forms Q783H.
Identifiers: ClinVar variation 5040596 (VCV005040596.1).